The following is an entry in ClinVar:

NM_144997.7(FLCN):c.1031C>T (p.Pro344Leu)

Gene: FLCN (folliculin; minus strand). Cytogenetic location: 17p11.2.
Variant type: single nucleotide variant.
Coding change: c.1031C>T on transcript NM_144997.7 (MANE Select); coding-DNA position 1031, C replaced by T.
Protein change: p.Pro344Leu; replaces proline 344 with leucine.
Molecular consequence: missense variant.
Genome position (GRCh38, 1-based): chr17:17,219,050, G>A on the plus strand (C>T on the coding strand, the complement: FLCN is on the minus strand). VCF-style: chr17-17219050-G-A. GRCh37 (hg19) VCF-style: chr17-17122364-G-A.
Other names: c.1085C>T, p.Pro362Leu (NM_001353229.2); c.1031C>T, p.Pro344Leu (NM_001353230.2, NM_001353231.2); short protein forms P344L, P362L.
Identifiers: ClinVar variation 1806696 (VCV001806696.2), dbSNP rs2544193523, ClinGen allele CA398532694.
Genomic context (GRCh38, chr17:17,219,050, plus strand): 5'-TCCTGATGCGCTGTGCCCCTGCCGCCTACCTGCCTCATGTGCCGGAGGGACTTGAAGACT[G>A]GCAGCTTCCGGGGCTGCCAGCTCCCACAGCCTGAGAGAGAGGAGGACTCTGCCGGGCCCT-3'
Protein context (NP_659434.2, residues 334-354): GCGSWQPRKL[Pro344Leu]VFKSLRHMRQ

ClinVar aggregate classification (germline): Uncertain significance. Review status: criteria provided, multiple submitters, no conflicts (2 of 4 stars). 2 submissions from 2 submitters: Uncertain significance (2). Last evaluated 2026-08-08.

Conditions:
Hereditary cancer-predisposing syndrome. Also called: Hereditary Cancer Syndrome; Hereditary neoplastic syndrome; Neoplastic Syndromes, Hereditary; Tumor predisposition. Identifiers: Orphanet 140162, MedGen C0027672, MeSH D009386, MONDO:0015356.

Submissions (2):

Ambry Genetics
Classification: Uncertain significance for Hereditary cancer-predisposing syndrome. Last evaluated: 2026-08-08. Review status: criteria provided, single submitter. Criteria: Ambry Variant Classification Scheme 2023. Collection method: clinical testing. Allele origin: germline.
Comment: The p.P344L variant (also known as c.1031C>T), located in coding exon 6 of the FLCN gene, results from a C to T substitution at nucleotide position 1031. The proline at codon 344 is replaced by leucine, an amino acid with similar properties. This amino acid position is conserved. In addition, this alteration is predicted to be tolerated by in silico analysis. Based on the available evidence, the clinical significance of this variant remains unclear.

GeneDx
Classification: Uncertain significance. Last evaluated: 2022-06-21. Review status: criteria provided, single submitter. Criteria: GeneDx Variant Classification Process June 2021. Collection method: clinical testing. Allele origin: germline. Affected: yes.
Comment: Not observed at significant frequency in large population cohorts (gnomAD); In silico analysis supports that this missense variant does not alter protein structure/function; Has not been previously published as pathogenic or benign to our knowledge